The following is an entry in ClinVar:

ClinVar aggregate classification (germline): Uncertain significance. Review status: criteria provided, multiple submitters, no conflicts (2 of 4 stars). 2 submissions from 2 submitters: Uncertain significance (2). Last evaluated 2024-03-06.

Conditions:
Cardiomyopathy (CMYO). Also called: Cardiomyopathies. Identifiers: Orphanet 167848, MedGen C0878544, MONDO:0004994, HP:0001638. Inheritance: Various modes of inheritance.
Arrhythmogenic cardiomyopathy with wooly hair and keratoderma. Also called: Carvajal syndrome; Dilated cardiomyopathy with woolly hair and keratoderma; Arrhythmogenic cardiomyopathy with woolly hair and keratoderma; PALMOPLANTAR KERATODERMA WITH LEFT VENTRICULAR CARDIOMYOPATHY AND WOOLLY HAIR. Identifiers: Orphanet 65282, MedGen C1854063, MONDO:0011581, OMIM 605676.
Arrhythmogenic right ventricular dysplasia 8 (ARVD8). Also called: Arrhythmogenic Right Ventricular Dysplasia/Cardiomyopathy 8; ARRHYTHMOGENIC RIGHT VENTRICULAR DYSPLASIA, FAMILIAL, 8; ARRHYTHMOGENIC RIGHT VENTRICULAR CARDIOMYOPATHY 8. Identifiers: MedGen C1843896, MONDO:0011831, OMIM 607450.

gnomAD v4.1: 2 of 1,614,004 alleles (0.00012%); highest among the groups gnomAD compares: Non-Finnish European, 0.00017%; no homozygotes.

Submissions (2):

Color Diagnostics, LLC DBA Color Health
Classification: Uncertain significance for Cardiomyopathy. Last evaluated: 2024-03-06. Review status: criteria provided, single submitter. Criteria: ACMG Guidelines, 2015. Collection method: clinical testing. Allele origin: germline.
Comment: This missense variant replaces threonine with serine at codon 365 of the DSP protein. Computational prediction is inconclusive regarding the impact of this variant on protein structure and function (internally defined REVEL score threshold 0.5 < inconclusive < 0.7, PMID: 27666373). To our knowledge, functional studies have not been reported for this variant. This variant has not been reported in individuals affected with cardiovascular disorders in the literature. This variant has not been identified in the general population by the Genome Aggregation Database (gnomAD). The available evidence is insufficient to determine the role of this variant in disease conclusively. Therefore, this variant is classified as a Variant of Uncertain Significance.

Labcorp Genetics (formerly Invitae), Labcorp
Classification: Uncertain significance for Arrhythmogenic cardiomyopathy with wooly hair and keratoderma; Arrhythmogenic right ventricular dysplasia 8. Last evaluated: 2022-03-18. Review status: criteria provided, single submitter. Criteria: Invitae Variant Classification Sherloc (09022015). Collection method: clinical testing. Allele origin: germline.
Comment: This sequence change replaces threonine, which is neutral and polar, with serine, which is neutral and polar, at codon 365 of the DSP protein (p.Thr365Ser). This variant is not present in population databases (gnomAD no frequency). This variant has not been reported in the literature in individuals affected with DSP-related conditions. ClinVar contains an entry for this variant (Variation ID: 1057100). Algorithms developed to predict the effect of missense changes on protein structure and function are either unavailable or do not agree on the potential impact of this missense change (SIFT: "Deleterious"; PolyPhen-2: "Probably Damaging"; Align-GVGD: "Class C0"). In summary, the available evidence is currently insufficient to determine the role of this variant in disease. Therefore, it has been classified as a Variant of Uncertain Significance.

NM_004415.4(DSP):c.1094C>G (p.Thr365Ser)

Gene: DSP (desmoplakin; plus strand). Cytogenetic location: 6p24.3.
Variant type: single nucleotide variant.
Coding change: c.1094C>G on transcript NM_004415.4 (MANE Select); coding-DNA position 1094, C replaced by G.
Protein change: p.Thr365Ser; replaces threonine 365 with serine.
Molecular consequence: missense variant.
Genome position (GRCh38, 1-based): chr6:7,567,403, C>G. VCF-style: chr6-7567403-C-G. GRCh37 (hg19) VCF-style: chr6-7567636-C-G.
Other names: c.1094C>G, p.Thr365Ser (NM_001008844.3, NM_001319034.2); short protein forms T365S.
Identifiers: ClinVar variation 1057100 (VCV001057100.12), dbSNP rs754577019, ClinGen allele CA362675650.
Genomic context (GRCh38, chr6:7,567,403, plus strand): 5'-TCTTGTTTCAGGCCTATATGGACACTCTGCAGACGCAGTGGAGTTGGATTCTTCAGATCA[C>G]CAAGTGCATTGATGTTCATCTGAAAGAAAATGCTGCCTACTTTCAGGTTTTTATATTTAG-3'
Protein context (NP_004406.2, residues 355-375): QTQWSWILQI[Thr365Ser]KCIDVHLKEN